The following is an entry in ClinVar:

NC_000008.10:g.(?_145736804)_(145738531_?)dup

Gene: RECQL4 (RecQ like helicase 4; minus strand). Cytogenetic location: 8q24.3.
Variant type: Duplication.
Identifiers: ClinVar variation 660697 (VCV000660697.5).

ClinVar aggregate classification (germline): Uncertain significance (1 of 4 stars; one submission).

Conditions:
Baller-Gerold syndrome (BGS). Also called: CRANIOSYNOSTOSIS WITH RADIAL DEFECTS. Identifiers: Orphanet 1225, MedGen C0265308, MONDO:0009039, OMIM 218600.

Submission:

Labcorp Genetics (formerly Invitae), Labcorp
Classification: Uncertain significance for Baller-Gerold syndrome. Last evaluated: 2018-07-28. Review status: criteria provided, single submitter. Criteria: Invitae Variant Classification Sherloc (09022015). Collection method: clinical testing. Allele origin: germline.
Comment: Experimental studies and prediction algorithms are not available for this variant, and the functional significance of the duplicated region is currently unknown. In summary, the available evidence is currently insufficient to determine the role of this variant in disease. Therefore, it has been classified as a Variant of Uncertain Significance. This variant has not been reported in the literature in individuals with RECQL4-related disease. This variant results in a copy number gain of the genomic region encompassing exons 15-21 of the RECQL4 gene. The 5' boundary is likely confined to intron 14. The 3' end of this event is unknown as it extends beyond the assayed region for this gene and therefore may encompass additional genes. As the precise location of this event is unknown, it may be in tandem or it may be located elsewhere in the genome.